The following is an entry in ClinVar:

NM_000533.5(PLP1):c.454-10A>G

Genes: PLP1 (proteolipid protein 1; plus strand), RAB9B (RAB9B, member RAS oncogene family; minus strand). Cytogenetic location: Xq22.2.
Variant type: single nucleotide variant.
Coding change: c.454-10A>G on transcript NM_000533.5 (MANE Select); 10 bases into the intron before coding-DNA position 454, A replaced by G.
Molecular consequence: intron variant.
Genome position (GRCh38, 1-based): chrX:103,787,788, A>G. VCF-style: chrX-103787788-A-G. GRCh37 (hg19) VCF-style: chrX-103042717-A-G.
Other names: c.454-10A>G (NM_001128834.3); c.349-10A>G (NM_199478.3); c.289-10A>G (NM_001305004.1).
Identifiers: ClinVar variation 1698358 (VCV001698358.3), dbSNP rs2147765873, ClinGen allele CA2580100119.

ClinVar aggregate classification (germline): Pathogenic/Likely pathogenic. Review status: criteria provided, multiple submitters, no conflicts (2 of 4 stars). 2 submissions from 2 submitters: Pathogenic (1); Likely pathogenic (1). Last evaluated 2023-12-12.

Conditions:
PLP1-related disorder. Also called: PLP1-Related Disorders; PLP1-related condition. Identifiers: MedGen CN378767.

Submissions (2):

Blueprint Genetics
Classification: Likely pathogenic for PLP1-related disorders. Last evaluated: 2023-12-12. Review status: criteria provided, single submitter. Criteria: ACMG Guidelines, 2015. Collection method: clinical testing. Allele origin: germline. Affected: yes. Observed: 1 variant allele.

GeneDx
Classification: Pathogenic. Last evaluated: 2022-01-22. Review status: criteria provided, single submitter. Criteria: GeneDx Variant Classification Process June 2021. Collection method: clinical testing. Allele origin: germline. Affected: yes.
Comment: RT-PCR studies indicate that this variant leads to abnormal gene splicing, resulting in multiple in-frame protein products (Bonnet-Dupeyron et al., 2008); In silico analysis supports a deleterious effect on splicing; Not observed at significant frequency in large population cohorts (gnomAD); This variant is associated with the following publications: (PMID: 18470932)